The following is an entry in ClinVar:

NM_007294.4(BRCA1):c.1377A>C (p.Lys459Asn)

Gene: BRCA1 (BRCA1 DNA repair associated; minus strand). Cytogenetic location: 17q21.31.
Variant type: single nucleotide variant.
Coding change: c.1377A>C on transcript NM_007294.4 (MANE Select); coding-DNA position 1377, A replaced by C.
Protein change: p.Lys459Asn; replaces lysine 459 with asparagine.
Molecular consequence: missense variant. On other transcripts: intron variant (137).
Genome position (GRCh38, 1-based): chr17:43,094,154, T>G on the plus strand (A>C on the coding strand, the complement: BRCA1 is on the minus strand). VCF-style: chr17-43094154-T-G. GRCh37 (hg19) VCF-style: chr17-41246171-T-G.
Other names: c.1296A>C, p.Lys432Asn (NM_001407661.1, NM_001407662.1, NM_001407659.1 and 1 more transcripts); c.1299A>C, p.Lys433Asn (NM_001407663.1, NM_001407653.1, NM_001407654.1 and 4 more transcripts); c.1254A>C, p.Lys418Asn (NM_001407669.1, NM_001407666.1, NM_001407667.1 and 19 more transcripts); c.1251A>C, p.Lys417Asn (NM_001407670.1, NM_001407673.1, NM_001407671.1 and 11 more transcripts); c.646+590A>C (NM_001408469.1, NM_001408453.1, NM_001408461.1 and 11 more transcripts); c.784+590A>C (NM_001408397.1, NM_001408401.1, NM_001408396.1 and 13 more transcripts); c.664+590A>C (NM_001408436.1, NM_001408444.1, NM_001408438.1 and 12 more transcripts); c.787+590A>C (NM_001407980.1, NM_001407993.1, NM_001407976.1 and 19 more transcripts); and 40 more; short protein forms K412N, K459N, K163N, K331N, K389N, K418N, K458N, K332N.
Identifiers: ClinVar variation 921448 (VCV000921448.7), dbSNP rs2053948858, ClinGen allele CA10599290.
Genomic context (GRCh38, chr17:43,094,154, plus strand): 5'-TTCAGTTACATGGCTTAAGTTGGGGAGGCTTGCCTTCTTCCGATAGGTTTTCCCAAATAT[T>G]TTGTCTTCAATATTACTCTCTACTGATTTGGAGTGAACTCTTTCACTTTTACATATTAAA-3'
Protein context (NP_009225.1, residues 449-469): SKSVESNIED[Lys459Asn]IFGKTYRKKA

ClinVar aggregate classification (germline): Conflicting classifications of pathogenicity. Review status: criteria provided, conflicting classifications (1 of 4 stars). 3 submissions from 3 submitters: Uncertain significance (2); Likely benign (1). Last evaluated 2024-09-19.

Conditions:
Hereditary breast ovarian cancer syndrome. Also called: BRCA1- and BRCA2-Associated Hereditary Breast and Ovarian Cancer; Hereditary breast and ovarian cancer syndrome; Hereditary breast and ovarian cancer; Hereditary breast and ovarian cancer syndrome (HBOC); Breast and ovarian cancer; Hereditary breast and/or ovarian cancer syndrome. Identifiers: Orphanet 145, MedGen C0677776, MeSH D061325, MONDO:0003582. Disease mechanism: loss of function.
Hereditary cancer-predisposing syndrome. Also called: Neoplastic Syndromes, Hereditary; Tumor predisposition; Hereditary Cancer Syndrome; Hereditary neoplastic syndrome. Identifiers: Orphanet 140162, MedGen C0027672, MeSH D009386, MONDO:0015356.

Submissions (3):

Labcorp Genetics (formerly Invitae), Labcorp
Classification: Uncertain significance for Hereditary breast ovarian cancer syndrome. Last evaluated: 2024-09-19. Review status: criteria provided, single submitter. Criteria: Invitae Variant Classification Sherloc (09022015). Collection method: clinical testing. Allele origin: germline.
Comment: This sequence change replaces lysine, which is basic and polar, with asparagine, which is neutral and polar, at codon 459 of the BRCA1 protein (p.Lys459Asn). This variant is not present in population databases (gnomAD no frequency). This variant has not been reported in the literature in individuals affected with BRCA1-related conditions. ClinVar contains an entry for this variant (Variation ID: 921448). Invitae Evidence Modeling of protein sequence and biophysical properties (such as structural, functional, and spatial information, amino acid conservation, physicochemical variation, residue mobility, and thermodynamic stability) indicates that this missense variant is not expected to disrupt BRCA1 protein function with a negative predictive value of 95%. In summary, the available evidence is currently insufficient to determine the role of this variant in disease. Therefore, it has been classified as a Variant of Uncertain Significance.

University of Washington Department of Laboratory Medicine, University of Washington
Classification: Likely benign for Hereditary cancer-predisposing syndrome. Last evaluated: 2023-03-23. Review status: criteria provided, single submitter. Criteria: Dines et al. (Genet Med. 2020). Collection method: curation. Allele origin: germline.
Comment: Missense variant in a coldspot region where missense variants are very unlikely to be pathogenic (PMID:31911673).

BRCA1 coldspot (exon 11 using historical exon numbering). Reclassification based on statistical prior probability

Color Diagnostics, LLC DBA Color Health
Classification: Uncertain significance for Hereditary cancer-predisposing syndrome. Last evaluated: 2019-05-22. Review status: criteria provided, single submitter. Criteria: ACMG Guidelines, 2015. Collection method: clinical testing. Allele origin: germline.